The following is an entry in ClinVar:

NM_020297.4(ABCC9):c.2155C>T (p.Leu719Phe)

Gene: ABCC9 (ATP binding cassette subfamily C member 9; minus strand). Cytogenetic location: 12p12.1.
Variant type: single nucleotide variant.
Coding change: c.2155C>T on transcript NM_020297.4 (MANE Select); coding-DNA position 2155, C replaced by T.
Protein change: p.Leu719Phe; replaces leucine 719 with phenylalanine.
Molecular consequence: missense variant.
Genome position (GRCh38, 1-based): chr12:21,872,668, G>A on the plus strand (C>T on the coding strand, the complement: ABCC9 is on the minus strand). VCF-style: chr12-21872668-G-A. GRCh37 (hg19) VCF-style: chr12-22025602-G-A.
Other names: c.2155C>T, p.Leu719Phe (NM_001377273.1, NM_005691.4); c.1291C>T, p.Leu431Phe (NM_001377274.1); short protein forms L719F, L431F.
Identifiers: ClinVar variation 1382869 (VCV001382869.8), dbSNP rs141925577, ClinGen allele CA6481483.
Genomic context (GRCh38, chr12:21,872,668, plus strand): 5'-ACTAAAAATATACATACTTGCTCCAGTGAACTTTTCCTTCCAATGTCTGCATCTCACCGA[G>A]GATGGCAAGGAGAAGAGAGGACTTCCCACATCCTACTTGGCCCACAATCATGGTTAACTG-3'
Protein context (NP_064693.2, residues 709-729): CGKSSLLLAI[Leu719Phe]GEMQTLEGKV

ClinVar aggregate classification (germline): Uncertain significance (1 of 4 stars; one submission).

Conditions:
Dilated cardiomyopathy 1O (CMD1O). Also called: CARDIOMYOPATHY, DILATED, WITH VENTRICULAR TACHYCARDIA. Identifiers: Orphanet 154, MedGen C1837839, MONDO:0012062, OMIM 608569.

Allele frequency attached by ClinVar (database versions not stated): gnomAD 0.00001; TOPMed 0.00001; ExAC 0.00002; ESP Exome Variant Server 0.00015.
gnomAD v4.1: 4 of 1,613,656 alleles (0.00025%); highest among the groups gnomAD compares: Non-Finnish European, 0.00034%; no homozygotes.

Submission:

Labcorp Genetics (formerly Invitae), Labcorp
Classification: Uncertain significance for Dilated cardiomyopathy 1O. Last evaluated: 2024-05-01. Review status: criteria provided, single submitter. Criteria: Invitae Variant Classification Sherloc (09022015). Collection method: clinical testing. Allele origin: germline.
Comment: This sequence change replaces leucine, which is neutral and non-polar, with phenylalanine, which is neutral and non-polar, at codon 719 of the ABCC9 protein (p.Leu719Phe). This variant is present in population databases (rs141925577, gnomAD 0.002%). This variant has not been reported in the literature in individuals affected with ABCC9-related conditions. ClinVar contains an entry for this variant (Variation ID: 1382869). Advanced modeling of protein sequence and biophysical properties (such as structural, functional, and spatial information, amino acid conservation, physicochemical variation, residue mobility, and thermodynamic stability) has been performed at Invitae for this missense variant, however the output from this modeling did not meet the statistical confidence thresholds required to predict the impact of this variant on ABCC9 protein function. In summary, the available evidence is currently insufficient to determine the role of this variant in disease. Therefore, it has been classified as a Variant of Uncertain Significance.